The following is an entry in ClinVar:

NM_138927.4(SON):c.3931A>G (p.Thr1311Ala)

Gene: SON (SON DNA and RNA binding protein; plus strand). Cytogenetic location: 21q22.11.
Variant type: single nucleotide variant.
Coding change: c.3931A>G on transcript NM_138927.4 (MANE Select); coding-DNA position 3931, A replaced by G.
Protein change: p.Thr1311Ala; replaces threonine 1311 with alanine.
Molecular consequence: missense variant. On other transcripts: non-coding transcript variant (1), intron variant (1).
Genome position (GRCh38, 1-based): chr21:33,553,162, A>G. VCF-style: chr21-33553162-A-G. GRCh37 (hg19) VCF-style: chr21-34925468-A-G.
Other names: c.3931A>G, p.Thr1311Ala (NM_001291411.2, NM_032195.3); c.245-3994A>G (NM_001291412.3); short protein forms T1311A.
Identifiers: ClinVar variation 3683463 (VCV003683463.2).

ClinVar aggregate classification (germline): Uncertain significance (1 of 4 stars; one submission).

gnomAD v4.1: 5 of 1,614,154 alleles (0.00031%); highest among the groups gnomAD compares: East Asian, 0.011%; no homozygotes.

Submission:

Labcorp Genetics (formerly Invitae), Labcorp
Classification: Uncertain significance. Last evaluated: 2024-08-19. Review status: criteria provided, single submitter. Criteria: Invitae Variant Classification Sherloc (09022015). Collection method: clinical testing. Allele origin: germline.
Comment: This sequence change replaces threonine, which is neutral and polar, with alanine, which is neutral and non-polar, at codon 1311 of the SON protein (p.Thr1311Ala). This variant is not present in population databases (gnomAD no frequency). This variant has not been reported in the literature in individuals affected with SON-related conditions. An algorithm developed to predict the effect of missense changes on protein structure and function outputs the following: PolyPhen-2: "Benign". The alanine amino acid residue is found in multiple mammalian species, which suggests that this missense change does not adversely affect protein function. In summary, the available evidence is currently insufficient to determine the role of this variant in disease. Therefore, it has been classified as a Variant of Uncertain Significance.